The following is an entry in ClinVar:

NM_001365536.1(SCN9A):c.3619G>T (p.Gly1207Cys)

Genes: SCN9A (sodium voltage-gated channel alpha subunit 9; minus strand), SCN1A-AS1 (SCN1A and SCN9A antisense RNA 1; plus strand). Cytogenetic location: 2q24.3.
Variant type: single nucleotide variant.
Coding change: c.3619G>T on transcript NM_001365536.1 (MANE Select); coding-DNA position 3619, G replaced by T.
Protein change: p.Gly1207Cys; replaces glycine 1207 with cysteine.
Molecular consequence: missense variant.
Genome position (GRCh38, 1-based): chr2:166,242,510, C>A on the plus strand (G>T on the coding strand, the complement: SCN9A is on the minus strand). VCF-style: chr2-166242510-C-A. GRCh37 (hg19) VCF-style: chr2-167099020-C-A.
Other names: c.3586G>T, p.Gly1196Cys (NM_002977.4); short protein forms G1196C, G1207C.
Identifiers: ClinVar variation 1046857 (VCV001046857.9), dbSNP rs775143721, ClinGen allele CA349070033.

ClinVar aggregate classification (germline): Uncertain significance (1 of 4 stars; one submission).

Conditions:
Neuropathy, hereditary sensory and autonomic, type 2A (HSAN2A). Also called: MORVAN DISEASE; ACROOSTEOLYSIS, GIACCAI TYPE; ACROOSTEOLYSIS, NEUROGENIC; NEUROPATHY, CONGENITAL SENSORY; NEUROPATHY, HEREDITARY SENSORY RADICULAR, AUTOSOMAL RECESSIVE; NEUROPATHY, HEREDITARY SENSORY, TYPE IIA. Identifiers: Orphanet 970, MedGen C2752089, MONDO:0024309, OMIM 201300.
Generalized epilepsy with febrile seizures plus, type 7 (GEFSP7). Also called: GEFS+, TYPE 7. Identifiers: Orphanet 36387, MedGen C2751778, MONDO:0013470, OMIM 613863.

Allele frequency attached by ClinVar (database versions not stated): TOPMed below 0.00001; gnomAD 0.00001; gnomAD exomes 0.00003.

Submission:

Labcorp Genetics (formerly Invitae), Labcorp
Classification: Uncertain significance for Neuropathy, hereditary sensory and autonomic, type 2A; Generalized epilepsy with febrile seizures plus, type 7. Last evaluated: 2020-06-03. Review status: criteria provided, single submitter. Criteria: Invitae Variant Classification Sherloc (09022015). Collection method: clinical testing. Allele origin: germline.
Comment: This sequence change replaces glycine with cysteine at codon 1196 of the SCN9A protein (p.Gly1196Cys). The glycine residue is highly conserved and there is a large physicochemical difference between glycine and cysteine. This variant is not present in population databases (ExAC no frequency). This variant has not been reported in the literature in individuals with SCN9A-related conditions. Algorithms developed to predict the effect of missense changes on protein structure and function are either unavailable or do not agree on the potential impact of this missense change (SIFT: "Tolerated"; PolyPhen-2: "Probably Damaging"; Align-GVGD: "Class C15"). In summary, the available evidence is currently insufficient to determine the role of this variant in disease. Therefore, it has been classified as a Variant of Uncertain Significance.